The following is an entry in ClinVar:

NM_000240.4(MAOA):c.749_750insT (p.Ser251fs)

Gene: MAOA (monoamine oxidase A; plus strand). Cytogenetic location: Xp11.3.
Variant type: Insertion.
Coding change: c.749_750insT on transcript NM_000240.4 (MANE Select); coding-DNA positions 749 to 750, T inserted.
Protein change: p.Ser251fs; shifts the reading frame from serine 251.
Molecular consequence: frameshift variant.
Genome position: GRCh38 VCF-style: chrX-43731344-C-CT. GRCh37 (hg19) VCF-style: chrX-43590591-C-CT.
Other names: c.350_351insT, p.Ser118fs (NM_001270458.2); short protein forms S251fs, S118fs.
Identifiers: ClinVar variation 208352 (VCV000208352.2), dbSNP rs796065311, ClinGen allele CA204423.
Genomic context (GRCh38, chrX:43,731,344, plus strand): 5'-TAATGGACCTCCTCGGAGACCAAGTGAAGCTGAACCATCCTGTCACTCACGTTGACCAGT[C>CT]AAGTGACAACATCATCATAGAGACGCTGAACCATGAACATTATGAGGTAACTCAGTTTAG-3'

ClinVar aggregate classification (germline): Pathogenic. Review status: criteria provided, single submitter (1 of 4 stars). 2 submissions from 2 submitters: Pathogenic (1). 1 of the submissions does not count toward it. Last evaluated 2014-11-10.

Conditions:
Brunner syndrome (BRNRS). Identifiers: Orphanet 3057, MedGen C0796275, MONDO:0010379, OMIM 300615.

Submissions (2):

Sydney Children's Hospital, SCHN
Classification: Pathogenic for Monoamine oxidase A deficiency. Last evaluated: 2014-11-10. Review status: criteria provided, single submitter. Criteria: submitter's publication. Collection method: clinical testing. Allele origin: maternal. Inheritance: X-linked inheritance. Affected: yes. Observed: 2 variant alleles.
Comment: Functional studies (bioamine levels in blood and urine) consistent with MAOA deficiency. Truncating mutation.

OMIM
Classification: Pathogenic for BRUNNER SYNDROME. Last evaluated: 2015-03-23. Review status: no assertion criteria provided. Collection method: literature only. Allele origin: germline. Not counted in ClinVar's aggregate classification.

Literature cited by the submitters: PubMed 25807999 (cited by OMIM).